The following is an entry in ClinVar:

NM_002510.3(GPNMB):c.33G>A (p.Leu11=)

Gene: GPNMB (glycoprotein nmb; plus strand). Cytogenetic location: 7p15.3.
Variant type: single nucleotide variant.
Coding change: c.33G>A on transcript NM_002510.3 (MANE Select); coding-DNA position 33, G replaced by A.
Protein change: p.Leu11=; no amino-acid change (leucine 11 retained).
Molecular consequence: synonymous variant.
Genome position (GRCh38, 1-based): chr7:23,246,890, G>A. VCF-style: chr7-23246890-G-A. GRCh37 (hg19) VCF-style: chr7-23286509-G-A.
Other names: c.33G>A, p.Leu11= (NM_001005340.2).
Identifiers: ClinVar variation 718620 (VCV000718620.5), dbSNP rs115100573, ClinGen allele CA4187225.

ClinVar aggregate classification (germline): Benign. Review status: criteria provided, single submitter (1 of 4 stars). 2 submissions from 2 submitters: Benign (1). 1 of the submissions does not count toward it. Last evaluated 2018-12-24.

Conditions:
GPNMB-related disorder. Also called: GPNMB-related condition.

Allele frequency attached by ClinVar (database versions not stated): gnomAD exomes 0.00034 and 0.00087; ExAC 0.00114; ESP Exome Variant Server 0.00361; gnomAD 0.00363 and 0.00385; TOPMed 0.00404; 1000 Genomes Project 0.00479; 1000 Genomes Project 30x 0.00515.
gnomAD v4.1: 1,065 of 1,613,964 alleles (0.066%); highest among the groups gnomAD compares: African/African-American, 1.2%; 6 homozygotes.

Submissions (2):

Labcorp Genetics (formerly Invitae), Labcorp
Classification: Benign. Last evaluated: 2018-12-24. Review status: criteria provided, single submitter. Criteria: Invitae Variant Classification Sherloc (09022015). Collection method: clinical testing. Allele origin: germline.

PreventionGenetics, part of Exact Sciences
Classification: Benign for GPNMB-related condition. Last evaluated: 2019-03-25. Review status: no assertion criteria provided. Collection method: clinical testing. Allele origin: germline. Not counted in ClinVar's aggregate classification.
Comment: This variant is classified as benign based on ACMG/AMP sequence variant interpretation guidelines (Richards et al. 2015 PMID: 25741868, with internal and published modifications).